The following is an entry in ClinVar:

ClinVar aggregate classification (germline): Uncertain significance (0 of 4 stars; one submission).

Conditions:
FBN1-related disorder. Also called: FBN1-related disorders.

Submission:

PreventionGenetics, part of Exact Sciences
Classification: Uncertain significance for FBN1-related condition. Last evaluated: 2024-09-17. Review status: no assertion criteria provided. Collection method: clinical testing. Allele origin: germline.
Comment: The FBN1 c.877A>T variant is predicted to result in the amino acid substitution p.Ser293Cys. To our knowledge, this variant has not been reported in the literature or in gnomaD, indicating this variant is rare. At this time, the clinical significance of this variant is uncertain due to the absence of conclusive functional and genetic evidence.

NM_000138.5(FBN1):c.877A>T (p.Ser293Cys)

Gene: FBN1 (fibrillin 1; minus strand). Cytogenetic location: 15q21.1.
Variant type: single nucleotide variant.
Coding change: c.877A>T on transcript NM_000138.5 (MANE Select); coding-DNA position 877, A replaced by T.
Protein change: p.Ser293Cys; replaces serine 293 with cysteine.
Molecular consequence: missense variant.
Genome position (GRCh38, 1-based): chr15:48,526,241, T>A on the plus strand (A>T on the coding strand, the complement: FBN1 is on the minus strand). VCF-style: chr15-48526241-T-A. GRCh37 (hg19) VCF-style: chr15-48818438-T-A.
Other names: c.877A>T, p.Ser293Cys (NM_001406716.1); short protein forms S293C.
Identifiers: ClinVar variation 3347426 (VCV003347426.1).